The following is an entry in ClinVar:

ClinVar aggregate classification (germline): Pathogenic (1 of 4 stars; one submission).

Conditions:
Holoprosencephaly 5 (HPE5). Identifiers: Orphanet 2162, MedGen C1864827, MONDO:0012322, OMIM 609637.

Submission:

Broad Center for Mendelian Genomics, Broad Institute of MIT and Harvard
Classification: Pathogenic for Holoprosencephaly 5. Last evaluated: 2023-08-24. Review status: criteria provided, single submitter. Criteria: ACMG/ClinGen CNV Guidelines, 2019. Collection method: research. Allele origin: de novo. Inheritance: Autosomal dominant inheritance. Affected: yes.
Comment: These breakpoints have been estimated by exome sequencing only and therefore may not reflect the true breakpoints. The patient phenotype is nonspecific, but is consistent with cases described in the literature and/or published databases with overlapping variants. There is complete overlap with the ZIC2 gene which is known to be haploinsufficient and has been assessed by the ClinGen Dosage Sensitivity Working Group. In summary, the 13q32.2-q34 deletion meets criteria to be classified as pathogenic. The ACMG/ClinGen evidence codes and points used in this curation are as follows: 1: 0 points, 2: 1.00 points, 3: 0.90 points, 4-5: 0.15 points; Total: 2.05 points; Riggs 2020 (PMID: 31690835).

GRCh38/hg38 13q32.2-34(chr13:98343655-110990677)x1

Genes: ABHD13 (abhydrolase domain containing 13; plus strand), ANKRD10 (ankyrin repeat domain 10; minus strand), ARGLU1 (arginine and glutamate rich 1; minus strand), ARGLU1-DT (ARGLU1 divergent transcript; plus strand), BIVM (basic, immunoglobulin-like variable motif containing; plus strand) and 340 more. Cytogenetic location: 13q32.2-34.
Variant type: copy number loss.
Change: copy number 1 (one copy instead of two) of chr13:98,343,655-110,990,677 (12.65 Mb, GRCh38 coordinates, 1-based), cytogenetic band 13q32.2-34.
Identifiers: ClinVar variation 2579261 (VCV002579261.1).